The following is an entry in ClinVar:

NM_003482.4(KMT2D):c.7441G>A (p.Ala2481Thr)

Gene: KMT2D (lysine methyltransferase 2D; minus strand). Cytogenetic location: 12q13.12.
Variant type: single nucleotide variant.
Coding change: c.7441G>A on transcript NM_003482.4 (MANE Select); coding-DNA position 7441, G replaced by A.
Protein change: p.Ala2481Thr; replaces alanine 2481 with threonine.
Molecular consequence: missense variant.
Genome position (GRCh38, 1-based): chr12:49,040,329, C>T on the plus strand (G>A on the coding strand, the complement: KMT2D is on the minus strand). VCF-style: chr12-49040329-C-T. GRCh37 (hg19) VCF-style: chr12-49434112-C-T.
Other names: short protein forms A2481T.
Identifiers: ClinVar variation 3635138 (VCV003635138.2).

ClinVar aggregate classification (germline): Uncertain significance (1 of 4 stars; one submission).

Conditions:
Kabuki syndrome. Also called: NIIKAWA-KUROKI SYNDROME; Kabuki make-up syndrome. Identifiers: Orphanet 2322, MedGen C0796004, MONDO:0016512.

Submission:

Labcorp Genetics (formerly Invitae), Labcorp
Classification: Uncertain significance for Kabuki syndrome. Last evaluated: 2024-10-07. Review status: criteria provided, single submitter. Criteria: Invitae Variant Classification Sherloc (09022015). Collection method: clinical testing. Allele origin: germline.
Comment: This sequence change replaces alanine, which is neutral and non-polar, with threonine, which is neutral and polar, at codon 2481 of the KMT2D protein (p.Ala2481Thr). This variant is not present in population databases (gnomAD no frequency). This variant has not been reported in the literature in individuals affected with KMT2D-related conditions. Invitae Evidence Modeling of protein sequence and biophysical properties (such as structural, functional, and spatial information, amino acid conservation, physicochemical variation, residue mobility, and thermodynamic stability) indicates that this missense variant is not expected to disrupt KMT2D protein function with a negative predictive value of 95%. In summary, the available evidence is currently insufficient to determine the role of this variant in disease. Therefore, it has been classified as a Variant of Uncertain Significance.